The following is an entry in ClinVar:

ClinVar aggregate classification (germline): Pathogenic (1 of 4 stars; one submission).

Conditions:
Peroxisome biogenesis disorder 11A (Zellweger). Also called: Peroxisome biogenesis disorder 11A. Identifiers: Orphanet 912, MedGen C3554000, MONDO:0013949, OMIM 614883.

Submission:

Labcorp Genetics (formerly Invitae), Labcorp
Classification: Pathogenic for Peroxisome biogenesis disorder 11A (Zellweger). Last evaluated: 2021-08-09. Review status: criteria provided, single submitter. Criteria: Invitae Variant Classification Sherloc (09022015). Collection method: clinical testing. Allele origin: germline.
Comment: This sequence change creates a premature translational stop signal (p.His167Thrfs*5) in the PEX13 gene. It is expected to result in an absent or disrupted protein product. Loss-of-function variants in PEX13 are known to be pathogenic (PMID: 10332040, 21031596). This variant is not present in population databases (ExAC no frequency). This variant has not been reported in the literature in individuals affected with PEX13-related conditions. For these reasons, this variant has been classified as Pathogenic.

Literature cited by the submitters: PubMed 10332040; PubMed 21031596.

NM_002618.4(PEX13):c.499del (p.His167fs)

Gene: PEX13 (peroxisomal biogenesis factor 13; plus strand). Cytogenetic location: 2p15.
Variant type: Deletion.
Coding change: c.499del on transcript NM_002618.4 (MANE Select); coding-DNA position 499, one base deleted (C; older notation c.499delC).
Protein change: p.His167fs; shifts the reading frame from histidine 167.
Molecular consequence: frameshift variant.
Genome position (GRCh38, 1-based): chr2:61,031,825, C deleted. VCF-style (leftmost placement, unchanged base first): chr2-61031824-TC-T. GRCh37 (hg19) VCF-style: chr2-61258959-TC-T.
Other names: short protein forms H167fs.
Identifiers: ClinVar variation 1387888 (VCV001387888.6), dbSNP rs2104803491, ClinGen allele CA2573134966.